The following is an entry in ClinVar:

ClinVar aggregate classification (germline): Pathogenic (1 of 4 stars; one submission).

gnomAD v4.1: 1 of 1,614,074 alleles (0.000062%); no homozygotes.

Submission:

GeneDx
Classification: Pathogenic. Last evaluated: 2024-01-26. Review status: criteria provided, single submitter. Criteria: GeneDx Variant Classification Process June 2021. Collection method: clinical testing. Allele origin: germline. Affected: yes.
Comment: Not observed at significant frequency in large population cohorts (gnomAD); In silico analysis supports that this missense variant has a deleterious effect on protein structure/function; This variant is associated with the following publications: (PMID: 30564305, 35982159)

NM_014991.6(WDFY3):c.4141C>T (p.Arg1381Trp)

Gene: WDFY3 (WD repeat and FYVE domain containing 3; minus strand). Cytogenetic location: 4q21.23.
Variant type: single nucleotide variant.
Coding change: c.4141C>T on transcript NM_014991.6 (MANE Select); coding-DNA position 4141, C replaced by T.
Protein change: p.Arg1381Trp; replaces arginine 1381 with tryptophan.
Molecular consequence: missense variant.
Genome position (GRCh38, 1-based): chr4:84,782,996, G>A on the plus strand (C>T on the coding strand, the complement: WDFY3 is on the minus strand). VCF-style: chr4-84782996-G-A. GRCh37 (hg19) VCF-style: chr4-85704149-G-A.
Other names: short protein forms R1381W.
Identifiers: ClinVar variation 3340633 (VCV003340633.1).